The following is an entry in ClinVar:

NM_001242896.3(DEPDC5):c.2124G>C (p.Gln708His)

Gene: DEPDC5 (DEP domain containing 5, GATOR1 subcomplex subunit; plus strand). Cytogenetic location: 22q12.3.
Variant type: single nucleotide variant.
Coding change: c.2124G>C on transcript NM_001242896.3 (MANE Select); coding-DNA position 2124, G replaced by C.
Protein change: p.Gln708His; replaces glutamine 708 with histidine.
Molecular consequence: missense variant. On other transcripts: non-coding transcript variant (5).
Genome position (GRCh38, 1-based): chr22:31,833,934, G>C. VCF-style: chr22-31833934-G-C. GRCh37 (hg19) VCF-style: chr22-32229920-G-C.
Other names: c.2124G>C, p.Gln708His (NM_001136029.4, NM_001363852.2, NM_001364318.2 and 3 more transcripts); c.1890G>C, p.Gln630His (NM_001242897.2, NM_001363854.2, NM_001364319.2); c.2040G>C, p.Gln680His (NM_001369901.1, NM_001369902.1); short protein forms Q708H, Q630H, Q680H.
Identifiers: ClinVar variation 3650827 (VCV003650827.2).

ClinVar aggregate classification (germline): Uncertain significance (1 of 4 stars; one submission).

Conditions:
Familial focal epilepsy with variable foci (FPEVF). Identifiers: Orphanet 98820, MedGen C1858477, MONDO:0020310.

Submission:

Labcorp Genetics (formerly Invitae), Labcorp
Classification: Uncertain significance for Familial focal epilepsy with variable foci. Last evaluated: 2024-07-24. Review status: criteria provided, single submitter. Criteria: Invitae Variant Classification Sherloc (09022015). Collection method: clinical testing. Allele origin: germline.
Comment: This sequence change replaces glutamine, which is neutral and polar, with histidine, which is basic and polar, at codon 708 of the DEPDC5 protein (p.Gln708His). This variant is not present in population databases (gnomAD no frequency). This variant has not been reported in the literature in individuals affected with DEPDC5-related conditions. Experimental studies and prediction algorithms are not available or were not evaluated, and the functional significance of this variant is currently unknown. In summary, the available evidence is currently insufficient to determine the role of this variant in disease. Therefore, it has been classified as a Variant of Uncertain Significance.